The following is an entry in ClinVar:

ClinVar aggregate classification (germline): Uncertain significance. Review status: criteria provided, multiple submitters, no conflicts (2 of 4 stars). 3 submissions from 3 submitters: Uncertain significance (3). Last evaluated 2022-12-19.

Conditions:
Lafora disease. Also called: Epilepsy progressive myoclonic 2. Identifiers: Orphanet 501, MedGen C0751783, MONDO:0009697.
Inborn genetic diseases. Identifiers: MedGen C0950123, MeSH D030342.

Allele frequency attached by ClinVar (database versions not stated): ExAC 0.00001; gnomAD 0.00001; gnomAD exomes 0.00001; TOPMed 0.00002; ESP Exome Variant Server 0.00008.
gnomAD v4.1: 19 of 1,613,974 alleles (0.0012%); highest among the groups gnomAD compares: Non-Finnish European, 0.0015%; no homozygotes.

Submissions (3):

Ambry Genetics
Classification: Uncertain significance for Inborn genetic diseases. Last evaluated: 2022-12-19. Review status: criteria provided, single submitter. Criteria: Ambry Variant Classification Scheme 2023. Collection method: clinical testing. Allele origin: germline.

Labcorp Genetics (formerly Invitae), Labcorp
Classification: Uncertain significance for Lafora disease. Last evaluated: 2021-08-31. Review status: criteria provided, single submitter. Criteria: Invitae Variant Classification Sherloc (09022015). Collection method: clinical testing. Allele origin: germline.
Comment: This sequence change replaces valine with aspartic acid at codon 359 of the NHLRC1 protein (p.Val359Asp). The valine residue is moderately conserved and there is a large physicochemical difference between valine and aspartic acid. This variant is present in population databases (rs372993582, ExAC 0.001%). This variant has not been reported in the literature in individuals affected with NHLRC1-related conditions. ClinVar contains an entry for this variant (Variation ID: 356080). Algorithms developed to predict the effect of missense changes on protein structure and function (SIFT, PolyPhen-2, Align-GVGD) all suggest that this variant is likely to be disruptive. In summary, the available evidence is currently insufficient to determine the role of this variant in disease. Therefore, it has been classified as a Variant of Uncertain Significance.

Illumina Laboratory Services, Illumina
Classification: Uncertain significance for Myoclonic epilepsy of Lafora 1. Last evaluated: 2018-01-13. Review status: criteria provided, single submitter. Criteria: ICSL Variant Classification Criteria 13 December 2019. Collection method: clinical testing. Allele origin: germline.

NM_198586.3(NHLRC1):c.1076T>A (p.Val359Asp)

Gene: NHLRC1 (NHL repeat containing E3 ubiquitin protein ligase 1; minus strand). Cytogenetic location: 6p22.3.
Variant type: single nucleotide variant.
Coding change: c.1076T>A on transcript NM_198586.3 (MANE Select); coding-DNA position 1076, T replaced by A.
Protein change: p.Val359Asp; replaces valine 359 with aspartic acid.
Molecular consequence: missense variant.
Genome position (GRCh38, 1-based): chr6:18,121,531, A>T on the plus strand (T>A on the coding strand, the complement: NHLRC1 is on the minus strand). VCF-style: chr6-18121531-A-T. GRCh37 (hg19) VCF-style: chr6-18121762-A-T.
Other names: short protein forms V359D.
Identifiers: ClinVar variation 356080 (VCV000356080.15), dbSNP rs372993582, ClinGen allele CA3649878.